The following is an entry in ClinVar:

ClinVar aggregate classification (germline): Uncertain significance. Review status: criteria provided, multiple submitters, no conflicts (2 of 4 stars). 2 submissions from 2 submitters: Uncertain significance (2). Last evaluated 2025-03-19.

Conditions:
DICER1-related tumor predisposition. Also called: DICER1 syndrome; DICER1-related pleuropulmonary blastoma cancer predisposition syndrome. Identifiers: Orphanet 284343, MedGen C3839822, MONDO:0100216.
Hereditary cancer-predisposing syndrome. Also called: Neoplastic Syndromes, Hereditary; Tumor predisposition; Hereditary Cancer Syndrome; Hereditary neoplastic syndrome. Identifiers: Orphanet 140162, MedGen C0027672, MeSH D009386, MONDO:0015356.

Submissions (2):

Labcorp Genetics (formerly Invitae), Labcorp
Classification: Uncertain significance for DICER1-related tumor predisposition. Last evaluated: 2025-03-19. Review status: criteria provided, single submitter. Criteria: Invitae Variant Classification Sherloc (09022015). Collection method: clinical testing. Allele origin: germline.
Comment: This sequence change replaces tyrosine, which is neutral and polar, with phenylalanine, which is neutral and non-polar, at codon 1639 of the DICER1 protein (p.Tyr1639Phe). This variant is not present in population databases (gnomAD no frequency). This variant has not been reported in the literature in individuals affected with DICER1-related conditions. ClinVar contains an entry for this variant (Variation ID: 1744078). Invitae Evidence Modeling of protein sequence and biophysical properties (such as structural, functional, and spatial information, amino acid conservation, physicochemical variation, residue mobility, and thermodynamic stability) indicates that this missense variant is not expected to disrupt DICER1 protein function with a negative predictive value of 95%. In summary, the available evidence is currently insufficient to determine the role of this variant in disease. Therefore, it has been classified as a Variant of Uncertain Significance.

Ambry Genetics
Classification: Uncertain significance for Hereditary cancer-predisposing syndrome. Last evaluated: 2024-01-25. Review status: criteria provided, single submitter. Criteria: Ambry Variant Classification Scheme 2023. Collection method: clinical testing. Allele origin: germline.
Comment: The p.Y1639F variant (also known as c.4916A>T), located in coding exon 22 of the DICER1 gene, results from an A to T substitution at nucleotide position 4916. The tyrosine at codon 1639 is replaced by phenylalanine, an amino acid with highly similar properties. This amino acid position is highly conserved in available vertebrate species. In addition, the in silico prediction for this alteration is inconclusive. Since supporting evidence is limited at this time, the clinical significance of this alteration remains unclear.

NM_177438.3(DICER1):c.4916A>T (p.Tyr1639Phe)

Gene: DICER1 (dicer 1, ribonuclease III; minus strand). Cytogenetic location: 14q32.13.
Variant type: single nucleotide variant.
Coding change: c.4916A>T on transcript NM_177438.3 (MANE Select); coding-DNA position 4916, A replaced by T.
Protein change: p.Tyr1639Phe; replaces tyrosine 1639 with phenylalanine.
Molecular consequence: missense variant. On other transcripts: non-coding transcript variant (6).
Genome position (GRCh38, 1-based): chr14:95,096,004, T>A on the plus strand (A>T on the coding strand, the complement: DICER1 is on the minus strand). VCF-style: chr14-95096004-T-A. GRCh37 (hg19) VCF-style: chr14-95562341-T-A.
Other names: c.4916A>T, p.Tyr1639Phe (NM_001195573.1, NM_001271282.3, NM_001291628.2 and 13 more transcripts); c.4634A>T, p.Tyr1545Phe (NM_001395686.1); c.4511A>T, p.Tyr1504Phe (NM_001395687.1, NM_001395688.1, NM_001395689.1 and 2 more transcripts); c.4349A>T, p.Tyr1450Phe (NM_001395691.1); c.3233A>T, p.Tyr1078Phe (NM_001395697.1); short protein forms Y1504F, Y1078F, Y1450F, Y1545F, Y1639F.
Identifiers: ClinVar variation 1744078 (VCV001744078.3), dbSNP rs1350329738, ClinGen allele CA390866319.
Genomic context (GRCh38, chr14:95,096,004, plus strand): 5'-AGTGTTTTATCTGCATCTGGATGATCAAACATACATCTTGGTGGAATCTTCAAACAACCA[T>A]ATTCCGAGTCTTTCAATACAGAAGAGCGTGAACTGGCCACAGAAGCAGCAGCACAGCTCA-3'
Protein context (NP_803187.1, residues 1629-1649): SRSSVLKDSE[Tyr1639Phe]GCLKIPPRCM